The following is an entry in ClinVar:

ClinVar aggregate classification (germline): Uncertain significance (0 of 4 stars; one submission).

Conditions:
GNAS-related disorder. Identifiers: MedGen CN380105.

Allele frequency attached by ClinVar (database versions not stated): gnomAD exomes 0.00001; TOPMed 0.00001; gnomAD 0.00001.
gnomAD v4.1: 11 of 1,603,870 alleles (0.00069%); highest among the groups gnomAD compares: Non-Finnish European, 0.00085%; no homozygotes.

Submission:

PreventionGenetics, part of Exact Sciences
Classification: Uncertain significance for GNAS-related condition. Last evaluated: 2023-12-05. Review status: no assertion criteria provided. Collection method: clinical testing. Allele origin: germline.
Comment: The GNAS c.589G>A variant is predicted to result in the amino acid substitution p.Glu197Lys. To our knowledge, this variant has not been reported in the literature. This variant is reported in 0.0024% of alleles in individuals of European (Non-Finnish) descent in gnomAD. At this time, the clinical significance of this variant is uncertain due to the absence of conclusive functional and genetic evidence.

NM_016592.5(GNAS):c.589G>A (p.Glu197Lys)

Genes: GNAS (GNAS complex locus; plus strand), GNAS-AS1 (GNAS antisense RNA 1; minus strand). Cytogenetic location: 20q13.32.
Variant type: single nucleotide variant.
Coding change: c.589G>A on transcript NM_016592.5 (MANE Plus Clinical); coding-DNA position 589, G replaced by A.
Protein change: p.Glu197Lys; replaces glutamic acid 197 with lysine.
Molecular consequence: missense variant. On other transcripts: 5 prime UTR variant (1).
Genome position (GRCh38, 1-based): chr20:58,840,695, G>A. VCF-style: chr20-58840695-G-A. GRCh37 (hg19) VCF-style: chr20-57415750-G-A.
Other names: c.-149G>A (NM_001410912.1); short protein forms E197K.
Identifiers: ClinVar variation 3048767 (VCV003048767.2), dbSNP rs1385031952, ClinGen allele CA409452881.